The following is an entry in ClinVar:

ClinVar aggregate classification (germline): Uncertain significance (1 of 4 stars; one submission).

Submission:

Ambry Genetics
Classification: Uncertain significance. Last evaluated: 2026-04-20. Review status: criteria provided, single submitter. Criteria: Ambry Variant Classification Scheme 2023. Collection method: clinical testing. Allele origin: germline.
Comment: The p.V173G variant (also known as c.518T>G), located in coding exon 1 of the MC1R gene, results from a T to G substitution at nucleotide position 518. The valine at codon 173 is replaced by glycine, an amino acid with dissimilar properties. This amino acid position is conserved. In addition, this alteration is predicted to be tolerated by in silico analysis. Based on the available evidence, the clinical significance of this variant remains unclear.

NM_002386.4(MC1R):c.518T>G (p.Val173Gly)

Gene: MC1R (melanocortin 1 receptor; plus strand). Cytogenetic location: 16q24.3.
Variant type: single nucleotide variant.
Coding change: c.518T>G on transcript NM_002386.4 (MANE Select); coding-DNA position 518, T replaced by G.
Protein change: p.Val173Gly; replaces valine 173 with glycine.
Molecular consequence: missense variant.
Genome position (GRCh38, 1-based): chr16:89,919,776, T>G. VCF-style: chr16-89919776-T-G. GRCh37 (hg19) VCF-style: chr16-89986184-T-G.
Other names: short protein forms V173G.
Identifiers: ClinVar variation 4859659 (VCV004859659.1).
Genomic context (GRCh38, chr16:89,919,776, plus strand): 5'-ACAGCATCGTGACCCTGCCGCGGGCGCGGCGAGCCGTTGCGGCCATCTGGGTGGCCAGTG[T>G]CGTCTTCAGCACGCTCTTCATCGCCTACTACGACCACGTGGCCGTCCTGCTGTGCCTCGT-3'
Protein context (NP_002377.4, residues 163-183): RAVAAIWVAS[Val173Gly]VFSTLFIAYY